The following is an entry in ClinVar:

ClinVar aggregate classification (germline): Pathogenic (1 of 4 stars; one submission).

Conditions:
Hereditary cancer-predisposing syndrome. Also called: Neoplastic Syndromes, Hereditary; Tumor predisposition; Hereditary Cancer Syndrome; Hereditary neoplastic syndrome. Identifiers: Orphanet 140162, MedGen C0027672, MeSH D009386, MONDO:0015356.
Cardiovascular phenotype. Identifiers: MedGen CN230736.

Submission:

Ambry Genetics
Classification: Pathogenic for Cardiovascular phenotype; Hereditary cancer-predisposing syndrome. Last evaluated: 2022-06-29. Review status: criteria provided, single submitter. Criteria: Ambry Variant Classification Scheme 2023. Collection method: clinical testing. Allele origin: germline.
Comment: The c.-2_3delACATG pathogenic mutation (also known as p.M1?) is located in coding exon 1 of the NF1 gene and results from a deletion of ACATG at nucleotide positions -2 to 3. This alters the methionine residue at the initiation codon (ATG). This alteration has been observed in at least one individual with a clinical diagnosis of neurofibromatosis type 1 (Ambry internal data). This variant is considered to be rare based on population cohorts in the Genome Aggregation Database (gnomAD). Sequence variations that modify the initiation codon are expected to result in either loss of translation initiation, N-terminal truncation, or cause a shift in the mRNA reading frame. Based on the supporting evidence, this alteration is interpreted as a disease-causing mutation.

NM_001042492.3(NF1):c.-2_3del (p.Met1fs)

Genes: MIR4733HG (MIR4733 host gene; minus strand), NF1 (neurofibromin 1; plus strand), LOC111811965 (NF1 (neurofibromin 1) promoter region; plus strand). Cytogenetic location: 17q11.2.
Variant type: Deletion.
Coding change: c.-2_3del on transcript NM_001042492.3 (MANE Select); 2 bases upstream of the start codon through coding-DNA position 3, 5 bases deleted (ACATG; older notation c.-2_3delACATG).
Protein change: p.Met1fs; shifts the reading frame from methionine 1.
Molecular consequence: frameshift variant, initiator codon variant. On other transcripts: non-coding transcript variant (1).
Genome position (GRCh38, 1-based): chr17:31,095,308-31,095,312, ACATG deleted; deleting any 5 consecutive bases within chr17:31,095,307-31,095,312 gives the same sequence; the c. name uses the placement nearest the transcript's 3' end. VCF-style (leftmost placement, unchanged base first): chr17-31095306-GGACAT-G. GRCh37 (hg19) VCF-style: chr17-29422324-GGACAT-G.
Other names: c.-2_3delACATG (NM_000267.3); c.-2_3delACATG, p.Met(?_1)_Met1(?) (NM_000267.4); c.-2_3del, p.Met1fs (NM_001128147.3); short protein forms M1fs.
Identifiers: ClinVar variation 1784218 (VCV001784218.3), dbSNP rs2544510995, ClinGen allele CA2580092762.
Genomic context (GRCh38, chr17:31,095,306, plus strand): 5'-CCTCTTCCCGGCCCAGGGCGCCGGCCCACCCTTCCCTCCGCCGCCCCCCGGCCGCGGGGA[GGACAT>G]GGCCGCGCACAGGCCGGTGGAATGGGTCCAGGCCGTGGTCAGCCGCTTCGACGAGCAGGT-3'